The following is an entry in ClinVar:

NM_014249.4(NR2E3):c.710A>G (p.Asn237Ser)

Gene: NR2E3 (nuclear receptor subfamily 2 group E member 3; plus strand). Cytogenetic location: 15q23.
Variant type: single nucleotide variant.
Coding change: c.710A>G on transcript NM_014249.4 (MANE Select); coding-DNA position 710, A replaced by G.
Protein change: p.Asn237Ser; replaces asparagine 237 with serine.
Molecular consequence: missense variant.
Genome position (GRCh38, 1-based): chr15:71,812,474, A>G. VCF-style: chr15-71812474-A-G. GRCh37 (hg19) VCF-style: chr15-72104814-A-G.
Other names: c.710A>G, p.Asn237Ser (NM_016346.4); c.710A>G (NM_014249.2); short protein forms N237S.
Identifiers: ClinVar variation 1991967 (VCV001991967.3), dbSNP rs778760106, ClinGen allele CA393035692.

ClinVar aggregate classification (germline): Uncertain significance. Review status: criteria provided, multiple submitters, no conflicts (2 of 4 stars). 3 submissions from 3 submitters: Uncertain significance (3). Last evaluated 2026-06-09.

Conditions:
Inborn genetic diseases. Identifiers: MedGen C0950123, MeSH D030342.

Allele frequency attached by ClinVar (database versions not stated): gnomAD exomes below 0.00001.

Submissions (3):

Ambry Genetics
Classification: Uncertain significance for Inborn genetic diseases. Last evaluated: 2026-06-09. Review status: criteria provided, single submitter. Criteria: Ambry Variant Classification Scheme 2023. Collection method: clinical testing. Allele origin: germline.

Labcorp Genetics (formerly Invitae), Labcorp
Classification: Uncertain significance. Last evaluated: 2022-03-28. Review status: criteria provided, single submitter. Criteria: Invitae Variant Classification Sherloc (09022015). Collection method: clinical testing. Allele origin: germline.
Comment: This sequence change replaces asparagine, which is neutral and polar, with serine, which is neutral and polar, at codon 237 of the NR2E3 protein (p.Asn237Ser). This variant is not present in population databases (gnomAD no frequency). This variant has not been reported in the literature in individuals affected with NR2E3-related conditions. Experimental studies and prediction algorithms are not available or were not evaluated, and the functional significance of this variant is currently unknown. In summary, the available evidence is currently insufficient to determine the role of this variant in disease. Therefore, it has been classified as a Variant of Uncertain Significance.

Blueprint Genetics
Classification: Uncertain significance. Last evaluated: 2019-11-29. Review status: criteria provided, single submitter. Criteria: ACMG Guidelines, 2015. Collection method: clinical testing. Allele origin: germline.